The following is an entry in ClinVar:

NM_004985.5(KRAS):c.259A>G (p.Thr87Ala)

Gene: KRAS (KRAS proto-oncogene, GTPase; minus strand). Cytogenetic location: 12p12.1.
Variant type: single nucleotide variant.
Coding change: c.259A>G on transcript NM_004985.5 (MANE Select); coding-DNA position 259, A replaced by G.
Protein change: p.Thr87Ala; replaces threonine 87 with alanine.
Molecular consequence: missense variant.
Genome position (GRCh38, 1-based): chr12:25,227,265, T>C on the plus strand (A>G on the coding strand, the complement: KRAS is on the minus strand). VCF-style: chr12-25227265-T-C. GRCh37 (hg19) VCF-style: chr12-25380199-T-C.
Other names: c.259A>G, p.Thr87Ala (NM_001369786.1, NM_001369787.1, NM_033360.4); short protein forms T87A.
Identifiers: ClinVar variation 3623825 (VCV003623825.2).

ClinVar aggregate classification (germline): Uncertain significance (1 of 4 stars; one submission).

Conditions:
RASopathy. Also called: rasopathies; Noonan spectrum disorder. Identifiers: Orphanet 536391, MedGen C5555857, MONDO:0021060.

Submission:

Labcorp Genetics (formerly Invitae), Labcorp
Classification: Uncertain significance for RASopathy. Last evaluated: 2024-05-21. Review status: criteria provided, single submitter. Criteria: Invitae Variant Classification Sherloc (09022015). Collection method: clinical testing. Allele origin: germline.
Comment: This sequence change replaces threonine, which is neutral and polar, with alanine, which is neutral and non-polar, at codon 87 of the KRAS protein (p.Thr87Ala). This variant is not present in population databases (gnomAD no frequency). This variant has not been reported in the literature in individuals affected with KRAS-related conditions. Advanced modeling of protein sequence and biophysical properties (such as structural, functional, and spatial information, amino acid conservation, physicochemical variation, residue mobility, and thermodynamic stability) performed at Invitae indicates that this missense variant is not expected to disrupt KRAS protein function with a negative predictive value of 95%. In summary, the available evidence is currently insufficient to determine the role of this variant in disease. Therefore, it has been classified as a Variant of Uncertain Significance.